The following is an entry in ClinVar:

NM_000518.5(HBB):c.143dup (p.Asp48fs)

Genes: HBB (hemoglobin subunit beta; minus strand), LOC106099062 (HBB recombination region; plus strand), LOC107133510 (origin of replication at HBB; plus strand). Cytogenetic location: 11p15.4.
Variant type: Duplication.
Coding change: c.143dup on transcript NM_000518.5 (MANE Select); coding-DNA position 143, one base duplicated (A; older notation c.143dupA).
Protein change: p.Asp48fs; shifts the reading frame from aspartic acid 48.
Molecular consequence: frameshift variant.
Genome position (GRCh38, 1-based): chr11:5,226,749, T duplicated on the plus strand (A on the coding strand, the reverse complement: HBB is on the minus strand). VCF-style (leftmost placement, unchanged base first): chr11-5226748-A-AT. GRCh37 (hg19) VCF-style: chr11-5247978-A-AT.
Other names: CD 47 (+A); c.143dup (NM_000518.4); c.143dupA (NM_000518.5); short protein forms D48fs.
Identifiers: ClinVar variation 15485 (VCV000015485.24), dbSNP rs35894115, ClinGen allele CA341349.

ClinVar aggregate classification (germline): Pathogenic. Review status: criteria provided, multiple submitters, no conflicts (2 of 4 stars). 6 submissions from 6 submitters: Pathogenic (4). 2 of the submissions do not count toward it. Last evaluated 2025-10-16.

Conditions:
beta Thalassemia (BTHAL). Also called: Cooley's anemia; Erythroblastic anemia; Mediterranean anemia. Identifiers: Orphanet 848, MedGen C0005283, MONDO:0019402. Disease mechanism: loss of function.

Submissions (6):

Quest Diagnostics Nichols Institute San Juan Capistrano
Classification: Pathogenic. Last evaluated: 2025-10-16. Review status: criteria provided, single submitter. Criteria: Quest Diagnostics criteria. Collection method: clinical testing. Allele origin: unknown.
Comment: The HBB c.143dup (p.Asp48Glufs*6) (also known as c.143_144insA or CD 47 (+A)) variant alters the translational reading frame of the HBB mRNA and causes the premature termination of HBB protein synthesis. This variant has been reported in the published literature in in individuals with beta(0)-thalassemia (PMID: 2283303 (1990), 19205970 (2009), 28670940 (2017), HbVar). This variant has also been reported in homozygous state in individuals with Beta-thalassemia major (PMID: 16987798 (2006)). This variant has not been reported in large, multi-ethnic general populations (Genome Aggregation Database). Based on the available information, this variant is classified as pathogenic.

Natera, Inc.
Classification: Pathogenic for Beta thalassemia. Last evaluated: 2025-07-29. Review status: criteria provided, single submitter. Criteria: Natera Variant Classification Schema (03/2026). Collection method: clinical testing. Allele origin: germline.
Comment: The c.143dupA variant in HBB is a frameshift variant predicted to shift the reading frame beginning at codon 48 and leads to a stop codon 6 codons downstream. This variant is expected to result in nonsense mediated decay, truncation, or a dysfunctional protein product. This variant is rare in the general population with a frequency below the threshold expected for the associated phenotype(s). This variant has been observed in one or more individuals affected with the associated recessive disease, as either homozygous or compound heterozygous with a second variant (PMID: 16987798, 19205970). Additionally, this variant has been observed to segregate in affected family members (PMID: 16987798). Given the available evidence, this variant is classified as Pathogenic.

ARUP Laboratories, Molecular Genetics and Genomics, ARUP Laboratories
Classification: Pathogenic. Last evaluated: 2025-06-09. Review status: criteria provided, single submitter. Criteria: ARUP Molecular Germline Variant Investigation Process 2024. Collection method: clinical testing. Allele origin: germline.
Comment: The Codon 47 (+A) variant (HBB: c.143dup; p.Asp48GlufsTer6, also known as Asp47fs when numbered from the mature protein, rs35894115, HbVar ID: 856) is reported in individuals affected with beta-0 thalassemia (see link to HbVar, Bibi 2006, Boudrahem-Addour 2009, Hussain 2017, Losekoot 1990). This variant is also reported in ClinVar (Variation ID: 15485). It is absent from the Genome Aggregation Database, indicating it is not a common polymorphism. This variant causes a frameshift by inserting a single nucleotide, so it is predicted to result in a truncated protein or mRNA subject to nonsense-mediated decay. Based on available information, this variant is considered to be pathogenic. References: Link to HbVar database: Bibi A et al. Detection of two rare beta-thalassemia alleles found in the Tunisian population: codon 47 (+A) and codons 106/107 (+G). Hemoglobin. 2006;30(4):437-47. PMID: 16987798. Boudrahem-Addour N et al. Molecular heterogeneity of beta-thalassemia in Algeria: how to face up to a major health problem. Hemoglobin. 2009;33(1):24-36. PMID: 19205970. Hussain A et al. Rare beta-Globin Gene Mutations in Pakistan. Hemoglobin. 2017 Mar;41(2):100-103. PMID: 28670940. Losekoot M et al. A novel frameshift mutation (FSC 47 (+A)) causing beta-thalassemia in a Surinam patient. Hemoglobin. 1990;14(4):467-70. PMID: 2283303.

Women's Health and Genetics/Laboratory Corporation of America, LabCorp
Classification: Pathogenic for beta Thalassemia. Last evaluated: 2017-05-08. Review status: criteria provided, single submitter. Criteria: LabCorp Variant Classification Summary - May 2015. Collection method: clinical testing. Allele origin: germline.
Comment: Variant summary: The HBB c.143dupA (p.Asp48Glufs) variant results in a premature termination codon, predicted to cause a truncated or absent HBB protein due to nonsense mediated decay, which are commonly known mechanisms for disease. Truncations downstream of this position have been classified as pathogenic by our laboratory (e.g. c.143_146dupATCT/p.Thr51fs). One in silico tool predicts a damaging outcome for this variant. This variant is absent in 121384 control chromosomes. However, it has been reported homozygously in multiple affected individuals with BTHAL-MJR. In addition, multiple reputable databases listed this variant as pathogenic. Moreover, variants involving the same and nearby neucleotides have been reported in affected individuals such as variants c.143A>T, c.143_146dupATCT, c.146T>G, and c.146T>C, suggesting the functional importance of this chromosomal region. Taken together, this variant is classified as pathogenic.

The ITHANET community portal, The Cyprus Institute of Neurology and Genetics
Classification: Pathogenic for beta Thalassemia. Last evaluated: 2019-11-25. Review status: no assertion criteria provided. Collection method: curation. Allele origin: germline. Not counted in ClinVar's aggregate classification.

OMIM
Classification: Pathogenic for BETA-THALASSEMIA. Last evaluated: 1990-01-01. Review status: no assertion criteria provided. Collection method: literature only. Allele origin: germline. Not counted in ClinVar's aggregate classification.

Literature cited by the submitters: PubMed 21250876 (cited by Quest Diagnostics Nichols Institute San Juan Capistrano and Women's Health and Genetics/Laboratory Corporation of America, LabCorp); PubMed 20113284 (cited by Quest Diagnostics Nichols Institute San Juan Capistrano and Women's Health and Genetics/Laboratory Corporation of America, LabCorp); PubMed 1698102 (cited by 3 submitters); PubMed 2283303 (cited by 3 submitters); PubMed 28670940 (cited by Quest Diagnostics Nichols Institute San Juan Capistrano); PubMed 16987798 (cited by 3 submitters); PubMed 19205970 (cited by 3 submitters); PubMed 13716727 (cited by Women's Health and Genetics/Laboratory Corporation of America, LabCorp).